The following is an entry in ClinVar:

ClinVar aggregate classification (germline): Uncertain significance (1 of 4 stars; one submission).

Conditions:
Developmental and epileptic encephalopathy, 47 (DEE47). Also called: Epileptic encephalopathy, early infantile, 47. Identifiers: MedGen C4310685, MONDO:0014949, OMIM 617166.

Submission:

Neuberg Centre For Genomic Medicine, NCGM
Classification: Uncertain significance for Developmental and epileptic encephalopathy, 47. Last evaluated: 2023-06-22. Review status: criteria provided, single submitter. Criteria: ACMG Guidelines, 2015. Collection method: clinical testing. Allele origin: germline. Inheritance: Autosomal dominant inheritance. Affected: yes.
Comment: The observed missense c.457G>A (p.Glu153Lys) variant in FGF12 gene has not been reported previously as a pathogenic variant nor as a benign variant, to our knowledge. The p.Glu153Lys variant is absent in gnomAD Exomes. This variant has not been submitted to the ClinVar database. Computational evidence (Polyphen - Benign, SIFT - Daamging and MutationTaster - Disease causing) predicts conflicting evidence on protein structure and function for this variant. The reference amino acid of p.Glu153Lys in FGF12 is predicted as conserved by GERP++ and PhyloP across 100 vertebrates. The amino acid Glu at position 153 is changed to a Lys changing protein sequence and it might alter its composition and physico-chemical properties. For these reasons, this variant has been classified as a Variant of Uncertain Significance (VUS).

NM_004113.6(FGF12):c.457G>A (p.Glu153Lys)

Gene: FGF12 (fibroblast growth factor 12; minus strand). Cytogenetic location: 3q28.
Variant type: single nucleotide variant.
Coding change: c.457G>A on transcript NM_004113.6 (MANE Select); coding-DNA position 457, G replaced by A.
Protein change: p.Glu153Lys; replaces glutamic acid 153 with lysine.
Molecular consequence: missense variant.
Genome position (GRCh38, 1-based): chr3:192,144,098, C>T on the plus strand (G>A on the coding strand, the complement: FGF12 is on the minus strand). VCF-style: chr3-192144098-C-T. GRCh37 (hg19) VCF-style: chr3-191861887-C-T.
Other names: c.346G>A, p.Glu116Lys (NM_001377292.1); c.385G>A, p.Glu129Lys (NM_001377293.1, NM_001377294.1); c.643G>A, p.Glu215Lys (NM_021032.5); short protein forms E116K, E129K, E153K, E215K.
Identifiers: ClinVar variation 3377616 (VCV003377616.1).